The following is an entry in ClinVar:

NM_001080467.3(MYO5B):c.3841G>A (p.Ala1281Thr)

Gene: MYO5B (myosin VB; minus strand). Cytogenetic location: 18q21.1.
Variant type: single nucleotide variant.
Coding change: c.3841G>A on transcript NM_001080467.3 (MANE Select); coding-DNA position 3841, G replaced by A.
Protein change: p.Ala1281Thr; replaces alanine 1281 with threonine.
Molecular consequence: missense variant.
Genome position (GRCh38, 1-based): chr18:49,864,143, C>T on the plus strand (G>A on the coding strand, the complement: MYO5B is on the minus strand). VCF-style: chr18-49864143-C-T. GRCh37 (hg19) VCF-style: chr18-47390513-C-T.
Other names: short protein forms A1281T.
Identifiers: ClinVar variation 2163456 (VCV002163456.2), dbSNP rs772389682, ClinGen allele CA8960579.

ClinVar aggregate classification (germline): Uncertain significance (1 of 4 stars; one submission).

Allele frequency attached by ClinVar (database versions not stated): TOPMed below 0.00001; gnomAD 0.00001; ExAC 0.00002; gnomAD exomes 0.00003; 1000 Genomes Project 30x 0.00031.
gnomAD v4.1: 45 of 1,608,200 alleles (0.0028%); highest among the groups gnomAD compares: South Asian, 0.019%; no homozygotes.

Submission:

Labcorp Genetics (formerly Invitae), Labcorp
Classification: Uncertain significance. Last evaluated: 2022-08-04. Review status: criteria provided, single submitter. Criteria: Invitae Variant Classification Sherloc (09022015). Collection method: clinical testing. Allele origin: germline.
Comment: In summary, the available evidence is currently insufficient to determine the role of this variant in disease. Therefore, it has been classified as a Variant of Uncertain Significance. Algorithms developed to predict the effect of missense changes on protein structure and function output the following: SIFT: "Tolerated"; PolyPhen-2: "Benign"; Align-GVGD: "Class C0". The threonine amino acid residue is found in multiple mammalian species, which suggests that this missense change does not adversely affect protein function. This variant has not been reported in the literature in individuals affected with MYO5B-related conditions. This variant is present in population databases (rs772389682, gnomAD 0.01%). This sequence change replaces alanine, which is neutral and non-polar, with threonine, which is neutral and polar, at codon 1281 of the MYO5B protein (p.Ala1281Thr).